The following is an entry in ClinVar:

ClinVar aggregate classification (germline): Uncertain significance (1 of 4 stars; one submission).

Allele frequency attached by ClinVar (database versions not stated): TOPMed below 0.00001; gnomAD 0.00001.

Submission:

Ambry Genetics
Classification: Uncertain significance. Last evaluated: 2023-05-07. Review status: criteria provided, single submitter. Criteria: Ambry Variant Classification Scheme 2023. Collection method: clinical testing. Allele origin: germline.
Comment: The p.T591P variant (also known as c.1771A>C), located in coding exon 13 of the RECQL gene, results from an A to C substitution at nucleotide position 1771. The threonine at codon 591 is replaced by proline, an amino acid with highly similar properties. This amino acid position is conserved. In addition, this alteration is predicted to be tolerated by in silico analysis. Since supporting evidence is limited at this time, the clinical significance of this alteration remains unclear.

NM_002907.4(RECQL):c.1771A>C (p.Thr591Pro)

Genes: PYROXD1 (pyridine nucleotide-disulphide oxidoreductase domain 1; plus strand), RECQL (RecQ like helicase; minus strand). Cytogenetic location: 12p12.1.
Variant type: single nucleotide variant.
Coding change: c.1771A>C on transcript NM_002907.4 (MANE Select); coding-DNA position 1771, A replaced by C.
Protein change: p.Thr591Pro; replaces threonine 591 with proline.
Molecular consequence: missense variant. On other transcripts: 3 prime UTR variant (3).
Genome position (GRCh38, 1-based): chr12:21,470,995, T>G on the plus strand (A>C on the coding strand, the complement: RECQL is on the minus strand). VCF-style: chr12-21470995-T-G. GRCh37 (hg19) VCF-style: chr12-21623929-T-G.
Other names: c.1771A>C, p.Thr591Pro (NM_032941.3); c.*2241T>G (NM_001350912.2, NM_001350913.2, NM_024854.5); short protein forms T591P.
Identifiers: ClinVar variation 2560860 (VCV002560860.2), dbSNP rs1327876288, ClinGen allele CA384114411.
Genomic context (GRCh38, chr12:21,470,995, plus strand): 5'-AAATATATAAAACTGAAAATTAATAGCCATTTACCCTGAAAGAGTTCTGCGTGGACTTTG[T>G]CACTTGCATAGTAATAGCATGTGCCTCATTGTTCAGAAGATTAGCTTTAGGTCCTATTTT-3'
Protein context (NP_002898.2, residues 581-601): NEAHAITMQV[Thr591Pro]KSTQNSFRAE